The following is an entry in ClinVar:

ClinVar aggregate classification (germline): Uncertain significance (1 of 4 stars; one submission).

Conditions:
Bethlem myopathy 1A. Also called: MYOPATHY, BENIGN CONGENITAL, WITH CONTRACTURES; Bethlem myopathy 1; Bethlem Muscular Dystrophy. Identifiers: Orphanet 610, MedGen CN029274, MONDO:0024530, OMIM 158810.

Submission:

Labcorp Genetics (formerly Invitae), Labcorp
Classification: Uncertain significance for Bethlem myopathy 1A. Last evaluated: 2022-03-11. Review status: criteria provided, single submitter. Criteria: Invitae Variant Classification Sherloc (09022015). Collection method: clinical testing. Allele origin: germline.
Comment: This variant has not been reported in the literature in individuals affected with COL6A3-related conditions. In summary, the available evidence is currently insufficient to determine the role of this variant in disease. Therefore, it has been classified as a Variant of Uncertain Significance. Advanced modeling of protein sequence and biophysical properties (such as structural, functional, and spatial information, amino acid conservation, physicochemical variation, residue mobility, and thermodynamic stability) performed at Invitae indicates that this missense variant is not expected to disrupt COL6A3 protein function. This variant is not present in population databases (gnomAD no frequency). This sequence change replaces glutamine, which is neutral and polar, with histidine, which is basic and polar, at codon 3155 of the COL6A3 protein (p.Gln3155His).

NM_004369.4(COL6A3):c.9465G>C (p.Gln3155His)

Genes: COL6A3 (collagen type VI alpha 3 chain; minus strand), LOC126806573 (CDK7 strongly-dependent group 2 enhancer GRCh37_chr2:238233151-238234350; plus strand). Cytogenetic location: 2q37.3.
Variant type: single nucleotide variant.
Coding change: c.9465G>C on transcript NM_004369.4 (MANE Select); coding-DNA position 9465, G replaced by C.
Protein change: p.Gln3155His; replaces glutamine 3155 with histidine.
Molecular consequence: missense variant.
Genome position (GRCh38, 1-based): chr2:237,325,588, C>G on the plus strand (G>C on the coding strand, the complement: COL6A3 is on the minus strand). VCF-style: chr2-237325588-C-G. GRCh37 (hg19) VCF-style: chr2-238234231-C-G.
Other names: c.7644G>C, p.Gln2548His (NM_057166.5); c.8847G>C, p.Gln2949His (NM_057167.4); short protein forms Q2949H, Q3155H, Q2548H.
Identifiers: ClinVar variation 2109289 (VCV002109289.4), dbSNP rs2469765241, ClinGen allele CA351185382.
Genomic context (GRCh38, chr2:237,325,588, plus strand): 5'-AGAAGCCATAAACACAAGGAAGAATCACTTACCAGGAGCGCAAACCTTTTCACATTCTTT[C>G]TGTGATCCAAATTTGTTTTCGTTTCCACCACAACCTCCATACCAGAATCTTGCACAGCTT-3'
Protein context (NP_004360.2, residues 3145-3165): CGGNENKFGS[Gln3155His]KECEKVCAPV